The following is an entry in ClinVar:

NM_000195.5(HPS1):c.*1217T>C

Gene: HPS1 (HPS1 biogenesis of lysosomal organelles complex 3 subunit 1; minus strand). Cytogenetic location: 10q24.2.
Variant type: single nucleotide variant.
Coding change: c.*1217T>C on transcript NM_000195.5 (MANE Select); 1217 bases downstream of the stop codon, T replaced by C.
Molecular consequence: 3 prime UTR variant.
Genome position (GRCh38, 1-based): chr10:98,416,347, A>G on the plus strand (T>C on the coding strand, the complement: HPS1 is on the minus strand). VCF-style: chr10-98416347-A-G. GRCh37 (hg19) VCF-style: chr10-100176104-A-G.
Other names: c.*1217T>C (NM_001311345.2, NM_001322476.2, NM_001322477.2 and 10 more transcripts).
Identifiers: ClinVar variation 298308 (VCV000298308.6), dbSNP rs3830025, ClinGen allele CA10636643.

ClinVar aggregate classification (germline): Benign. Review status: criteria provided, multiple submitters, no conflicts (2 of 4 stars). 2 submissions from 2 submitters: Benign (2). Last evaluated 2018-01-12.

Conditions:
Hermansky-Pudlak syndrome 1 (HPS1). Also called: DELTA STORAGE POOL DISEASE. Identifiers: Orphanet 231500, Orphanet 79430, MedGen C2931875, MONDO:0008748, OMIM 203300.

Allele frequency attached by ClinVar (database versions not stated): gnomAD exomes 0.29452; gnomAD 0.34581 and 0.35027; TOPMed 0.36211; 1000 Genomes Project 30x 0.42848; 1000 Genomes Project 0.43131.
gnomAD v4.1: 53,128 of 152,104 alleles (35%); highest among the groups gnomAD compares: African/African-American, 53%; 10,418 homozygotes.

Submissions (2):

Illumina Laboratory Services, Illumina
Classification: Benign for Hermansky-Pudlak syndrome 1. Last evaluated: 2018-01-12. Review status: criteria provided, single submitter. Criteria: ICSL Variant Classification Criteria 13 December 2019. Collection method: clinical testing. Allele origin: germline.
Comment: This variant was observed in the ICSL laboratory as part of a predisposition screen in an ostensibly healthy population. It had not been previously curated by ICSL or reported in the Human Gene Mutation Database (HGMD: prior to June 1st, 2018), and was therefore a candidate for classification through an automated scoring system. Utilizing variant allele frequency, disease prevalence and penetrance estimates, and inheritance mode, an automated score was calculated to assess if this variant is too frequent to cause the disease. Based on the score and internal cut-off values, a variant classified as benign is not then subjected to further curation. The score for this variant resulted in a classification of benign for this disease.

Breakthrough Genomics
Classification: Benign. Review status: criteria provided, single submitter. Criteria: ACMG Guidelines, 2015. Collection method: not provided. Allele origin: germline. Inheritance: Autosomal recessive inheritance. Affected: yes.